The following is an entry in ClinVar:

ClinVar aggregate classification (germline): Uncertain significance. Review status: criteria provided, multiple submitters, no conflicts (2 of 4 stars). 2 submissions from 2 submitters: Uncertain significance (2). Last evaluated 2024-10-01.

Conditions:
Inborn genetic diseases. Identifiers: MedGen C0950123, MeSH D030342.
Leukocyte adhesion deficiency 3. Also called: INTEGRIN ACTIVATION DEFICIENCY DISEASE; LEUKOCYTE ADHESION DEFICIENCY 1 VARIANT; Leukocyte adhesion deficiency, type III. Identifiers: Orphanet 2968, Orphanet 99844, MedGen C2748536, MONDO:0013016, OMIM 612840.

Allele frequency attached by ClinVar (database versions not stated): gnomAD 0.00001 and 0.00002; TOPMed 0.00001; gnomAD exomes 0.00002 and 0.00006; ExAC 0.00003.
gnomAD v4.1: 32 of 1,613,678 alleles (0.002%); highest among the groups gnomAD compares: South Asian, 0.025%; no homozygotes.

Submissions (2):

Ambry Genetics
Classification: Uncertain significance for Inborn genetic diseases. Last evaluated: 2024-10-01. Review status: criteria provided, single submitter. Criteria: Ambry Variant Classification Scheme 2023. Collection method: clinical testing. Allele origin: germline.

Labcorp Genetics (formerly Invitae), Labcorp
Classification: Uncertain significance for Leukocyte adhesion deficiency 3. Last evaluated: 2021-08-28. Review status: criteria provided, single submitter. Criteria: Invitae Variant Classification Sherloc (09022015). Collection method: clinical testing. Allele origin: germline.
Comment: This sequence change replaces arginine with glutamine at codon 603 of the FERMT3 protein (p.Arg603Gln). The arginine residue is highly conserved and there is a small physicochemical difference between arginine and glutamine. This variant is present in population databases (rs751183978, ExAC 0.02%). This variant has not been reported in the literature in individuals affected with FERMT3-related conditions. Algorithms developed to predict the effect of missense changes on protein structure and function output the following: SIFT: "Deleterious"; PolyPhen-2: "Benign"; Align-GVGD: "Class C0". The glutamine amino acid residue is found in multiple mammalian species, which suggests that this missense change does not adversely affect protein function. In summary, the available evidence is currently insufficient to determine the role of this variant in disease. Therefore, it has been classified as a Variant of Uncertain Significance.

NM_031471.6(FERMT3):c.1808G>A (p.Arg603Gln)

Gene: FERMT3 (FERM domain containing kindlin 3; plus strand). Cytogenetic location: 11q13.1.
Variant type: single nucleotide variant.
Coding change: c.1808G>A on transcript NM_031471.6 (MANE Select); coding-DNA position 1808, G replaced by A.
Protein change: p.Arg603Gln; replaces arginine 603 with glutamine.
Molecular consequence: missense variant.
Genome position (GRCh38, 1-based): chr11:64,223,185, G>A. VCF-style: chr11-64223185-G-A. GRCh37 (hg19) VCF-style: chr11-63990657-G-A.
Other names: c.1808G>A, p.Arg603Gln (NM_001382361.1, NM_001382448.1); c.1820G>A, p.Arg607Gln (NM_001382362.1, NM_178443.3); c.1268G>A, p.Arg423Gln (NM_001382363.1); c.1280G>A, p.Arg427Gln (NM_001382364.1); short protein forms R607Q, R603Q, R423Q, R427Q.
Identifiers: ClinVar variation 836250 (VCV000836250.8), dbSNP rs751183978, ClinGen allele CA6069281.